The following is an entry in ClinVar:

ClinVar aggregate classification (germline): Uncertain significance. Review status: criteria provided, multiple submitters, no conflicts (2 of 4 stars). 2 submissions from 2 submitters: Uncertain significance (2). Last evaluated 2025-11-24.

Allele frequency attached by ClinVar (database versions not stated): gnomAD exomes 0.00007; 1000 Genomes Project 0.00020; ExAC 0.00013; 1000 Genomes Project 30x 0.00016; gnomAD 0.00008; TOPMed 0.00011.
gnomAD v4.1: 116 of 1,608,436 alleles (0.0072%); highest among the groups gnomAD compares: Admixed American, 0.061%; no homozygotes.

Submissions (2):

Labcorp Genetics (formerly Invitae), Labcorp
Classification: Uncertain significance. Last evaluated: 2025-11-24. Review status: criteria provided, single submitter. Criteria: Invitae Variant Classification Sherloc (09022015). Collection method: clinical testing. Allele origin: germline.
Comment: This sequence change replaces glycine, which is neutral and non-polar, with serine, which is neutral and polar, at codon 489 of the AGAP1 protein (p.Gly489Ser). This variant is present in population databases (rs200544939, gnomAD 0.1%), and has an allele count higher than expected for a pathogenic variant. This variant has not been reported in the literature in individuals affected with AGAP1-related conditions. ClinVar contains an entry for this variant (Variation ID: 2514839). An algorithm developed to predict the effect of missense changes on protein structure and function (PolyPhen-2) suggests that this variant is likely to be disruptive. In summary, the available evidence is currently insufficient to determine the role of this variant in disease. Therefore, it has been classified as a Variant of Uncertain Significance.

Ambry Genetics
Classification: Uncertain significance. Last evaluated: 2023-04-07. Review status: criteria provided, single submitter. Criteria: Ambry Variant Classification Scheme 2023. Collection method: clinical testing. Allele origin: germline.

NM_001037131.3(AGAP1):c.1624G>A (p.Gly542Ser)

Gene: AGAP1 (ArfGAP with GTPase domain, ankyrin repeat and PH domain 1; plus strand). Cytogenetic location: 2q37.2.
Variant type: single nucleotide variant.
Coding change: c.1624G>A on transcript NM_001037131.3 (MANE Select); coding-DNA position 1624, G replaced by A.
Protein change: p.Gly542Ser; replaces glycine 542 with serine.
Molecular consequence: missense variant.
Genome position (GRCh38, 1-based): chr2:235,968,602, G>A. VCF-style: chr2-235968602-G-A. GRCh37 (hg19) VCF-style: chr2-236877246-G-A.
Other names: c.1465G>A, p.Gly489Ser (NM_014914.5); short protein forms G489S, G542S.
Identifiers: ClinVar variation 2514839 (VCV002514839.5), dbSNP rs200544939, ClinGen allele CA2184929.